The following is an entry in ClinVar:

ClinVar aggregate classification (germline): Likely benign (1 of 4 stars; one submission).

Submission:

CeGaT Center for Human Genetics Tuebingen
Classification: Likely benign. Last evaluated: 2025-02-01. Review status: criteria provided, single submitter. Criteria: CeGaT Center For Human Genetics Tuebingen Variant Classification Criteria Version 2. Collection method: clinical testing. Allele origin: germline. Affected: yes. Observed: 1 variant allele.
Comment: PPP1R3F: BP4, BP7, BS2

NM_033215.5(PPP1R3F):c.2148C>G (p.Leu716=)

Gene: PPP1R3F (protein phosphatase 1 regulatory subunit 3F; plus strand). Cytogenetic location: Xp11.23.
Variant type: single nucleotide variant.
Coding change: c.2148C>G on transcript NM_033215.5 (MANE Select); coding-DNA position 2148, C replaced by G.
Protein change: p.Leu716=; no amino-acid change (leucine 716 retained).
Molecular consequence: synonymous variant.
Genome position (GRCh38, 1-based): chrX:49,286,838, C>G. VCF-style: chrX-49286838-C-G. GRCh37 (hg19) VCF-style: chrX-49143300-C-G.
Other names: c.1110C>G, p.Leu370= (NM_001184745.2).
Identifiers: ClinVar variation 3771622 (VCV003771622.13).
Genomic context (GRCh38, chrX:49,286,838, plus strand): 5'-CGTCCTTCTGCAGGGGCAAAATCCCACCCTCCTCAGTCCCTTGGGGGCCGAAGTCTGTCT[C>G]TCTAGTGTAGCCAGGCCTCATGTGAGCTCCCAGGATGAAAAGGATGCAGGCCCAAGCCTT-3'
Protein context (NP_149992.3, residues 706-726): LLSPLGAEVC[Leu716=]SSVARPHVSS